The following is an entry in ClinVar:

ClinVar aggregate classification (germline): Uncertain significance. Review status: criteria provided, multiple submitters, no conflicts (2 of 4 stars). 3 submissions from 3 submitters: Uncertain significance (3). Last evaluated 2026-03-23.

Submissions (3):

GeneDx
Classification: Uncertain significance. Last evaluated: 2026-03-23. Review status: criteria provided, single submitter. Criteria: GeneDx Variant Classification Process June 2021. Collection method: clinical testing. Allele origin: germline.
Comment: Not observed at significant frequency in large population cohorts (gnomAD); In silico analysis supports that this missense variant has a deleterious effect on protein structure/function; Has not been previously published as pathogenic or benign to our knowledge.

Labcorp Genetics (formerly Invitae), Labcorp
Classification: Uncertain significance. Last evaluated: 2024-09-06. Review status: criteria provided, single submitter. Criteria: Invitae Variant Classification Sherloc (09022015). Collection method: clinical testing. Allele origin: germline.
Comment: This sequence change replaces tyrosine, which is neutral and polar, with cysteine, which is neutral and slightly polar, at codon 1387 of the KIDINS220 protein (p.Tyr1387Cys). This variant is not present in population databases (gnomAD no frequency). This variant has not been reported in the literature in individuals affected with KIDINS220-related conditions. An algorithm developed to predict the effect of missense changes on protein structure and function (PolyPhen-2) suggests that this variant is likely to be disruptive. In summary, the available evidence is currently insufficient to determine the role of this variant in disease. Therefore, it has been classified as a Variant of Uncertain Significance.

Blueprint Genetics
Classification: Uncertain significance. Last evaluated: 2018-11-09. Review status: criteria provided, single submitter. Criteria: ACMG Guidelines, 2015. Collection method: clinical testing. Allele origin: germline.

NM_020738.4(KIDINS220):c.4160A>G (p.Tyr1387Cys)

Gene: KIDINS220 (kinase D interacting substrate 220; minus strand). Cytogenetic location: 2p25.1.
Variant type: single nucleotide variant.
Coding change: c.4160A>G on transcript NM_020738.4 (MANE Select); coding-DNA position 4160, A replaced by G.
Protein change: p.Tyr1387Cys; replaces tyrosine 1387 with cysteine.
Molecular consequence: missense variant. On other transcripts: intron variant (6).
Genome position (GRCh38, 1-based): chr2:8,731,876, T>C on the plus strand (A>G on the coding strand, the complement: KIDINS220 is on the minus strand). VCF-style: chr2-8731876-T-C. GRCh37 (hg19) VCF-style: chr2-8872006-T-C.
Other names: c.4163A>G, p.Tyr1388Cys (NM_001348729.2); c.4106A>G, p.Tyr1369Cys (NM_001348731.2); c.4103A>G, p.Tyr1368Cys (NM_001348732.2); c.3992A>G, p.Tyr1331Cys (NM_001348734.2); c.3989A>G, p.Tyr1330Cys (NM_001348735.2); c.3863A>G, p.Tyr1288Cys (NM_001348736.2); c.3882+1568A>G (NM_001348741.2, NM_001348742.2, NM_001348743.2); c.3996+1568A>G (NM_001348738.2); and 2 more; short protein forms Y1288C, Y1369C, Y1387C, Y1368C, Y1330C, Y1331C, Y1388C.
Identifiers: ClinVar variation 3665337 (VCV003665337.4).